The following is an entry in ClinVar:

NM_001458.5(FLNC):c.6097G>A (p.Val2033Met)

Genes: FLNC (filamin C; plus strand), FLNC-AS1 (FLNC antisense RNA 1; minus strand). Cytogenetic location: 7q32.1.
Variant type: single nucleotide variant.
Coding change: c.6097G>A on transcript NM_001458.5 (MANE Select); coding-DNA position 6097, G replaced by A.
Protein change: p.Val2033Met; replaces valine 2033 with methionine.
Molecular consequence: missense variant.
Genome position (GRCh38, 1-based): chr7:128,852,920, G>A. VCF-style: chr7-128852920-G-A. GRCh37 (hg19) VCF-style: chr7-128492974-G-A.
Other names: c.5998G>A, p.Val2000Met (NM_001127487.2); short protein forms V2000M, V2033M.
Identifiers: ClinVar variation 4532409 (VCV004532409.1).

ClinVar aggregate classification (germline): Uncertain significance (1 of 4 stars; one submission).

gnomAD v4.1: 3 of 1,613,584 alleles (0.00019%); highest among the groups gnomAD compares: South Asian, 0.0011%; no homozygotes.

Submission:

GeneDx
Classification: Uncertain significance. Last evaluated: 2025-05-28. Review status: criteria provided, single submitter. Criteria: GeneDx Variant Classification Process June 2021. Collection method: clinical testing. Allele origin: germline. Affected: yes.
Comment: Not observed at significant frequency in large population cohorts (gnomAD); In silico analysis supports that this missense variant has a deleterious effect on protein structure/function; Has not been previously published as pathogenic or benign to our knowledge